The following is an entry in ClinVar:

NM_006019.4(TCIRG1):c.1166-1G>T

Gene: TCIRG1 (T cell immune regulator 1, ATPase H+ transporting V0 subunit a3; plus strand). Cytogenetic location: 11q13.2.
Variant type: single nucleotide variant.
Coding change: c.1166-1G>T on transcript NM_006019.4 (MANE Select); the canonical splice acceptor site of the intron before coding-DNA position 1166, G replaced by T.
Molecular consequence: splice acceptor variant. On other transcripts: intron variant (1).
Genome position (GRCh38, 1-based): chr11:68,047,432, G>T. VCF-style: chr11-68047432-G-T. GRCh37 (hg19) VCF-style: chr11-67814899-G-T.
Other names: c.1166-1G>T (NM_001440552.1, NM_001440557.1, NM_001440558.1 and 2 more transcripts); c.953-1G>T (NM_001440559.1, NM_001440561.1, NM_001440566.1 and 3 more transcripts); c.504-450G>T (NM_001440569.1); c.1124-1G>T (NM_001440555.1, NM_001440556.1, NM_001440563.1); c.272-1G>T (NM_001351059.2); c.866-1G>T (NM_001440565.1); c.911-1G>T (NM_001440564.1); c.698-1G>T (NM_001440568.1); and 1 more.
Identifiers: ClinVar variation 4081805 (VCV004081805.1).

ClinVar aggregate classification (germline): Likely pathogenic (1 of 4 stars; one submission).

Conditions:
Autosomal recessive osteopetrosis 1. Also called: ALBERS-SCHONBERG DISEASE, AUTOSOMAL RECESSIVE; TCIRG1-Related Autosomal Recessive Osteopetrosis; TCIRG1-Related Osteopetrosis. Identifiers: Orphanet 667, MedGen C1850127, MONDO:0009815, OMIM 259700.

Submission:

Myriad Genetics, Inc.
Classification: Likely pathogenic for Autosomal recessive osteopetrosis 1. Last evaluated: 2025-07-08. Review status: criteria provided, single submitter. Criteria: Myriad Autosomal Dominant, Autosomal Recessive and X-Linked Classification Criteria (2023). Collection method: clinical testing. Allele origin: unknown.
Comment: NM_006019.3(TCIRG1):c.1166-1G>T is a variant in a canonical splice site classified as likely pathogenic in the context of autosomal recessive osteopetrosis type 1. c.1166-1G>T has not been observed in cases with relevant disease. Relevant functional assessments of this variant are not available in the literature. c.1166-1G>T has not been observed in referenced population frequency databases. In summary, NM_006019.3(TCIRG1):c.1166-1G>T is a variant in a canonical splice site in a gene where loss of function is a known mechanism of disease and is predicted to disrupt protein function. Please note: this variant was assessed in the context of healthy population screening.